The following is an entry in ClinVar:

NM_000088.4(COL1A1):c.3045+11C>T

Gene: COL1A1 (collagen type I alpha 1 chain; minus strand). Cytogenetic location: 17q21.33.
Variant type: single nucleotide variant.
Coding change: c.3045+11C>T on transcript NM_000088.4 (MANE Select); 11 bases into the intron after coding-DNA position 3045, C replaced by T.
Molecular consequence: intron variant.
Genome position (GRCh38, 1-based): chr17:50,188,892, G>A on the plus strand (C>T on the coding strand, the complement: COL1A1 is on the minus strand). VCF-style: chr17-50188892-G-A. GRCh37 (hg19) VCF-style: chr17-48266253-G-A.
Identifiers: ClinVar variation 931711 (VCV000931711.11), dbSNP rs201349683, ClinGen allele CA8644612.
Genomic context (GRCh38, chr17:50,188,892, plus strand): 5'-GGGAAGAGGGCTTAGGCAAGGCCACAATGGCCATGCTGAGGGTACTGGCATGGGGGCTGG[G>A]GACTGCTCACCTCACGTCCAGATTCACCAGGGGGTCCAGCCAATCCAGGGGGGCCCATGG-3'

ClinVar aggregate classification (germline): Conflicting classifications of pathogenicity. Review status: criteria provided, conflicting classifications (1 of 4 stars). 5 submissions from 5 submitters: Uncertain significance (1); Likely benign (4). Last evaluated 2026-05-06.

Conditions:
Osteogenesis imperfecta with normal sclerae, dominant form (OI4). Also called: Osteogenesis imperfecta type 4; OSTEOGENESIS IMPERFECTA, TYPE IV, WITH DENTINOGENESIS IMPERFECTA; OSTEOGENESIS IMPERFECTA WITH NORMAL SCLERAE; Osteogenesis Imperfecta Type IV; Common Variable Osteogenesis Imperfecta with Normal Sclerae. Identifiers: Orphanet 216820, Orphanet 666, MedGen C0268363, MONDO:0008148, OMIM 166220.
Osteogenesis imperfecta type I (OI1). Also called: Osteogenesis imperfecta type 1; OI, TYPE I; OSTEOGENESIS IMPERFECTA TARDA; OSTEOGENESIS IMPERFECTA WITH BLUE SCLERAE; Lobstein disease; Lobstein's Disease. Identifiers: Orphanet 216796, Orphanet 666, MedGen C0023931, MONDO:0008146, OMIM 166200. Disease mechanism: loss of function.

Allele frequency attached by ClinVar (database versions not stated): ExAC 0.00001; gnomAD 0.00001 and 0.00002; gnomAD exomes 0.00001 and 0.00003; TOPMed 0.00002; 1000 Genomes Project 30x 0.00016; 1000 Genomes Project 0.00020.
gnomAD v4.1: 47 of 1,586,212 alleles (0.003%); highest among the groups gnomAD compares: East Asian, 0.018%; no homozygotes.

Submissions (5):

Women's Health and Genetics/Laboratory Corporation of America, LabCorp
Classification: Likely benign. Last evaluated: 2026-05-06. Review status: criteria provided, single submitter. Criteria: LabCorp Variant Classification Summary - May 2015. Collection method: clinical testing. Allele origin: germline.

ARUP Laboratories, Molecular Genetics and Genomics, ARUP Laboratories
Classification: Likely benign. Last evaluated: 2025-07-18. Review status: criteria provided, single submitter. Criteria: ARUP Molecular Germline Variant Investigation Process 2024. Collection method: clinical testing. Allele origin: germline.

Labcorp Genetics (formerly Invitae), Labcorp
Classification: Likely benign for Osteogenesis imperfecta type I. Last evaluated: 2025-06-05. Review status: criteria provided, single submitter. Criteria: Invitae Variant Classification Sherloc (09022015). Collection method: clinical testing. Allele origin: germline.

Blueprint Genetics
Classification: Likely benign. Last evaluated: 2024-06-26. Review status: criteria provided, single submitter. Criteria: ACMG Guidelines, 2015. Collection method: clinical testing. Allele origin: germline.

Centre for Mendelian Genomics, University Medical Centre Ljubljana
Classification: Uncertain significance for Osteogenesis imperfecta with normal sclerae, dominant form. Last evaluated: 2019-09-13. Review status: criteria provided, single submitter. Criteria: ACMG Guidelines, 2015. Collection method: clinical testing. Allele origin: unknown. Affected: yes.
Comment: This variant was classified as: Uncertain significance. The available evidence on this variant's pathogenicity is insufficient or conflicting. The following ACMG criteria were applied in classifying this variant: PM2,BP4.